The following is an entry in ClinVar:

NM_004006.3(DMD):c.6868A>T (p.Lys2290Ter)

Gene: DMD (dystrophin; minus strand). Cytogenetic location: Xp21.1.
Variant type: single nucleotide variant.
Coding change: c.6868A>T on transcript NM_004006.3 (MANE Select); coding-DNA position 6868, A replaced by T.
Protein change: p.Lys2290Ter; replaces lysine 2290 with a stop codon.
Molecular consequence: nonsense. On other transcripts: 5 prime UTR variant (5).
Genome position (GRCh38, 1-based): chrX:31,929,640, T>A on the plus strand (A>T on the coding strand, the complement: DMD is on the minus strand). VCF-style: chrX-31929640-T-A. GRCh37 (hg19) VCF-style: chrX-31947757-T-A.
Other names: c.6844A>T, p.Lys2282Ter (NM_000109.4); c.6856A>T, p.Lys2286Ter (NM_004009.3); c.6499A>T, p.Lys2167Ter (NM_004010.3); c.2845A>T, p.Lys949Ter (NM_004011.4); c.2836A>T, p.Lys946Ter (NM_004012.4); c.-513A>T (NM_004013.3, NM_004020.4, NM_004021.3 and 2 more transcripts); short protein forms K2167*, K2282*, K2286*, K2290*, K946*, K949*.
Identifiers: ClinVar variation 993336 (VCV000993336.12), dbSNP rs2094827879, ClinGen allele CA412657850.

ClinVar aggregate classification (germline): Pathogenic. Review status: criteria provided, multiple submitters, no conflicts (2 of 4 stars). 2 submissions from 2 submitters: Pathogenic (2). Last evaluated 2022-11-28.

Submissions (2):

Revvity Omics, Revvity
Classification: Pathogenic. Last evaluated: 2022-11-28. Review status: criteria provided, single submitter. Criteria: ACMG Guidelines, 2015. Collection method: clinical testing. Allele origin: germline.

ARUP Laboratories, Molecular Genetics and Genomics, ARUP Laboratories
Classification: Pathogenic. Last evaluated: 2019-09-27. Review status: criteria provided, single submitter. Criteria: ARUP Molecular Germline Variant Investigation Process. Collection method: clinical testing. Allele origin: germline.
Comment: The DMD c.6868A>T; p.Lys2290Ter variant is reported in the literature in an individual affected with Duchenne muscular dystrophy (Flanigan 2003). This variant is absent from general population databases (Exome Variant Server, Genome Aggregation Database), indicating it is not a common polymorphism. This variant induces an early termination codon and is predicted to result in a truncated protein or mRNA subject to nonsense-mediated decay. Based on available information, this variant is considered to be pathogenic. References: Flanigan KM et al. Rapid direct sequence analysis of the dystrophin gene. Am J Hum Genet. 2003 Apr;72(4):931-9.